The following is an entry in ClinVar:

ClinVar aggregate classification (germline): Uncertain significance. Review status: reviewed by expert panel (3 of 4 stars). 3 submissions from 3 submitters: Uncertain significance (1). 2 of the submissions do not count toward it. Last evaluated 2025-08-01.

Conditions:
Malignant hyperthermia, susceptibility to, 1 (MHS1). Also called: Malignant hyperthermia suceptibility 1; Anesthesia related hyperthermia; Malignant hyperpyrexia; Fulminating hyperpyrexia; Pharmacogenic myopathy; RYR1-Related Malignant Hyperthermia Susceptibility. Identifiers: Orphanet 423, MedGen C2930980, MONDO:0007783, OMIM 145600.
RYR1-related disorder. Also called: RYR1-related condition; RYR1-related disorders. Identifiers: MedGen CN239331.

Allele frequency attached by ClinVar (database versions not stated): gnomAD exomes below 0.00001.
gnomAD v4.1: 1 of 1,601,548 alleles (0.000062%); highest among the groups gnomAD compares: Non-Finnish European, 0.000085%; no homozygotes.

Submissions (3):

ClinGen Malignant Hyperthermia Susceptibility Variant Curation Expert Panel, ClinGen
Classification: Uncertain significance for Malignant hyperthermia, susceptibility to, 1. Last evaluated: 2025-08-01. Review status: reviewed by expert panel. Criteria: ClinGen MHS ACMG Specifications V2. Collection method: curation. Allele origin: germline. Inheritance: Autosomal dominant inheritance.
Comment: This pathogenicity assessment is relevant only for malignant hyperthermia susceptibility (MHS) inherited in an autosomal dominant pattern. Variants in RYR1 can also cause other myopathies inherited in an autosomal dominant pattern or in an autosomal recessive pattern. Some of these disorders may predispose individuals to malignant hyperthermia. RYR1 variants may also contribute to a malignant hyperthermia reaction in combination with other genetic and non-genetic factors and the clinician needs to consider such factors in making management decisions. This sequence variant predicts a substitution of glutamic acid with glycine at codon 2371 of the RYR1 protein, p.(Glu2371Gly). This variant was not present in a large population database (gnomAD) at the time this variant was interpreted. This variant has been reported in an individual with a personal or family history of an MH episode and a positive in vitro contracture test (IVCT) or caffeine halothane contracture test (CHCT) result (if the proband was unavailable for testing, a positive diagnostic test result in a mutation-positive relative was counted), PS4_Supporting (PMID:24433488). No functional studies were identified for this variant. This variant resides in a region of RYR1 considered to be a hotspot for pathogenic variants that contribute to MHS, PM1 (PMID: 21118704). A REVEL score >0.85 (0.891) supports a pathogenic status for this variant, PP3_Moderate. This variant has been classified as a Variant of Unknown Significance. Criteria implemented: PS4_Supporting, PM1, PP3_Moderate.

Women's Health and Genetics/Laboratory Corporation of America, LabCorp
Classification: Likely pathogenic for Malignant hyperthermia, susceptibility to, 1. Last evaluated: 2026-05-07. Review status: criteria provided, single submitter. Criteria: LabCorp Variant Classification Summary - May 2015. Collection method: clinical testing. Allele origin: germline. Not counted in ClinVar's aggregate classification.
Comment: Variant summary: RYR1 c.7112A>G (p.Glu2371Gly) results in a non-conservative amino acid change in the encoded protein sequence. Algorithms developed to predict the effect of missense changes on protein structure and function all suggest that this variant is likely to be disruptive. The variant was absent in 237726 control chromosomes (gnomAD). c.7112A>G has been observed in heterozygous individuals affected with Malignant Hyperthermia Susceptibility or clinical features of Central core myopathy (e.g. Zullo_2009, Klingler_2014, Savarese_2014). These data indicate that the variant may be associated with disease. A different variant affecting the same codon has been determined to be pathogenic (c.7111G>A, p.Glu2371Lys) for clinical features of autosomal dominant Central core myopathy, supporting the critical relevance of codon 2371 to RYR1 protein function. At least one publication reports experimental evidence evaluating an impact on protein function, finding that the variant results in a modest increase in acidification activity (Zullo_2009). The following publications have been ascertained in the context of this evaluation (PMID: 19191333, 24433488, 25214167). ClinVar contains an entry for this variant (Variation ID: 1330355). To our knowledge, this variant has not been reported in individuals with autosomal recessive RYR1-related conditions. Based on the evidence outlined above, the variant was classified as likely pathogenic for autosomal dominant RYR1-related conditions.

Labcorp Genetics (formerly Invitae), Labcorp
Classification: Pathogenic for RYR1-related disorder. Last evaluated: 2024-01-12. Review status: criteria provided, single submitter. Criteria: Invitae Variant Classification Sherloc (09022015). Collection method: clinical testing. Allele origin: germline. Not counted in ClinVar's aggregate classification.
Comment: This sequence change replaces glutamic acid, which is acidic and polar, with glycine, which is neutral and non-polar, at codon 2371 of the RYR1 protein (p.Glu2371Gly). This variant is not present in population databases (gnomAD no frequency). This missense change has been observed in individual(s) with autosomal dominant malignant hyperthermia susceptibility (PMID: 19191333). ClinVar contains an entry for this variant (Variation ID: 1330355). Advanced modeling of protein sequence and biophysical properties (such as structural, functional, and spatial information, amino acid conservation, physicochemical variation, residue mobility, and thermodynamic stability) performed at Invitae indicates that this missense variant is expected to disrupt RYR1 protein function with a positive predictive value of 95%. Experimental studies have shown that this missense change affects RYR1 function (PMID: 19191333). This variant disrupts the p.Glu2371 amino acid residue in RYR1. Other variant(s) that disrupt this residue have been determined to be pathogenic (PMID: 32403337, 33333461, 34106991; Invitae). This suggests that this residue is clinically significant, and that variants that disrupt this residue are likely to be disease-causing. For these reasons, this variant has been classified as Pathogenic.

Literature cited by the submitters: PubMed 25214167 (cited by Women's Health and Genetics/Laboratory Corporation of America, LabCorp); PubMed 24433488 (cited by Women's Health and Genetics/Laboratory Corporation of America, LabCorp); PubMed 19191333 (cited by Women's Health and Genetics/Laboratory Corporation of America, LabCorp and Labcorp Genetics (formerly Invitae), Labcorp); PubMed 32403337 (cited by Labcorp Genetics (formerly Invitae), Labcorp); PubMed 33333461 (cited by Labcorp Genetics (formerly Invitae), Labcorp); PubMed 34106991 (cited by Labcorp Genetics (formerly Invitae), Labcorp).

NM_000540.3(RYR1):c.7112A>G (p.Glu2371Gly)

Gene: RYR1 (ryanodine receptor 1; plus strand). Cytogenetic location: 19q13.2.
Variant type: single nucleotide variant.
Coding change: c.7112A>G on transcript NM_000540.3 (MANE Select); coding-DNA position 7112, A replaced by G.
Protein change: p.Glu2371Gly; replaces glutamic acid 2371 with glycine.
Molecular consequence: missense variant.
Genome position (GRCh38, 1-based): chr19:38,499,719, A>G. VCF-style: chr19-38499719-A-G. GRCh37 (hg19) VCF-style: chr19-38990359-A-G.
Other names: NM_000540.3(RYR1):c.7112A>G; p.(Glu2371Gly); NM_001042723.2:c.7112A>G; c.7112A>G, p.Glu2371Gly (NM_001042723.2); short protein forms E2371G.
Identifiers: ClinVar variation 1330355 (VCV001330355.7), dbSNP rs2145600668, ClinGen allele CA405668159.